The following is an entry in ClinVar:

ClinVar aggregate classification (germline): Uncertain significance (1 of 4 stars; one submission).

Conditions:
HYPERHOMOCYSTEINEMIA, THROMBOTIC, CBS-RELATED. Identifiers: MedGen C3150344, OMIM 236200.

Submission:

Labcorp Genetics (formerly Invitae), Labcorp
Classification: Uncertain significance for HYPERHOMOCYSTEINEMIA, THROMBOTIC, CBS-RELATED. Last evaluated: 2019-04-09. Review status: criteria provided, single submitter. Criteria: Invitae Variant Classification Sherloc (09022015). Collection method: clinical testing. Allele origin: germline.
Comment: This sequence change replaces alanine with valine at codon 545 of the CBS protein (p.Ala545Val). The alanine residue is moderately conserved and there is a small physicochemical difference between alanine and valine. This variant is not present in population databases (ExAC no frequency). This variant has not been reported in the literature in individuals with CBS-related conditions. Algorithms developed to predict the effect of missense changes on protein structure and function (SIFT, PolyPhen-2, Align-GVGD) all suggest that this variant is likely to be tolerated, but these predictions have not been confirmed by published functional studies and their clinical significance is uncertain. In summary, the available evidence is currently insufficient to determine the role of this variant in disease. Therefore, it has been classified as a Variant of Uncertain Significance.

NM_000071.3(CBS):c.1634C>T (p.Ala545Val)

Gene: CBS (cystathionine beta-synthase; minus strand). Cytogenetic location: 21q22.3.
Variant type: single nucleotide variant.
Coding change: c.1634C>T on transcript NM_000071.3 (MANE Select); coding-DNA position 1634, C replaced by T.
Protein change: p.Ala545Val; replaces alanine 545 with valine.
Molecular consequence: missense variant.
Genome position (GRCh38, 1-based): chr21:43,053,902, G>A on the plus strand (C>T on the coding strand, the complement: CBS is on the minus strand). VCF-style: chr21-43053902-G-A. GRCh37 (hg19) VCF-style: chr21-44474012-G-A.
Other names: c.1634C>T, p.Ala545Val (NM_001178008.3, NM_001178009.3, NM_001320298.2); c.1319C>T, p.Ala440Val (NM_001321072.1); short protein forms A440V, A545V.
Identifiers: ClinVar variation 847021 (VCV000847021.10), dbSNP rs754031824, ClinGen allele CA410394604.